The following is an entry in ClinVar:

NM_001042492.3(NF1):c.5494G>C (p.Glu1832Gln)

Gene: NF1 (neurofibromin 1; plus strand). Cytogenetic location: 17q11.2.
Variant type: single nucleotide variant.
Coding change: c.5494G>C on transcript NM_001042492.3 (MANE Select); coding-DNA position 5494, G replaced by C.
Protein change: p.Glu1832Gln; replaces glutamic acid 1832 with glutamine.
Molecular consequence: missense variant.
Genome position (GRCh38, 1-based): chr17:31,327,724, G>C. VCF-style: chr17-31327724-G-C. GRCh37 (hg19) VCF-style: chr17-29654742-G-C.
Other names: c.5431G>C, p.Glu1811Gln (NM_000267.4); short protein forms E1832Q, E1811Q.
Identifiers: ClinVar variation 1747502 (VCV001747502.6), dbSNP rs2069382639, ClinGen allele CA399009589.

ClinVar aggregate classification (germline): Uncertain significance. Review status: criteria provided, multiple submitters, no conflicts (2 of 4 stars). 2 submissions from 2 submitters: Uncertain significance (2). Last evaluated 2025-06-06.

Conditions:
Neurofibromatosis, type 1 (NF1). Also called: VON RECKLINGHAUSEN DISEASE; NEUROFIBROMATOSIS, TYPE I, SOMATIC; Neurofibromatosis, type I; Peripheral type neurofibromatosis. Identifiers: Orphanet 636, MedGen C0027831, MONDO:0018975, OMIM 162200. Disease mechanism: loss of function.
Cardiovascular phenotype. Identifiers: MedGen CN230736.
Hereditary cancer-predisposing syndrome. Also called: Neoplastic Syndromes, Hereditary; Tumor predisposition; Hereditary Cancer Syndrome; Hereditary neoplastic syndrome. Identifiers: Orphanet 140162, MedGen C0027672, MeSH D009386, MONDO:0015356.

Submissions (2):

Ambry Genetics
Classification: Uncertain significance for Cardiovascular phenotype; Hereditary cancer-predisposing syndrome. Last evaluated: 2025-06-06. Review status: criteria provided, single submitter. Criteria: Ambry Variant Classification Scheme 2023. Collection method: clinical testing. Allele origin: germline.
Comment: The p.E1811Q variant (also known as c.5431G>C), located in coding exon 37 of the NF1 gene, results from a G to C substitution at nucleotide position 5431. The glutamic acid at codon 1811 is replaced by glutamine, an amino acid with highly similar properties. This amino acid position is highly conserved in available vertebrate species. In addition, this alteration is predicted to be deleterious by in silico analysis. Based on the available evidence, the clinical significance of this variant remains unclear.

Labcorp Genetics (formerly Invitae), Labcorp
Classification: Uncertain significance for Neurofibromatosis, type 1. Last evaluated: 2024-04-03. Review status: criteria provided, single submitter. Criteria: Invitae Variant Classification Sherloc (09022015). Collection method: clinical testing. Allele origin: germline.
Comment: This sequence change replaces glutamic acid, which is acidic and polar, with glutamine, which is neutral and polar, at codon 1811 of the NF1 protein (p.Glu1811Gln). This variant is not present in population databases (gnomAD no frequency). This variant has not been reported in the literature in individuals affected with NF1-related conditions. ClinVar contains an entry for this variant (Variation ID: 1747502). Advanced modeling of protein sequence and biophysical properties (such as structural, functional, and spatial information, amino acid conservation, physicochemical variation, residue mobility, and thermodynamic stability) performed at Invitae indicates that this missense variant is expected to disrupt NF1 protein function with a positive predictive value of 95%. In summary, the available evidence is currently insufficient to determine the role of this variant in disease. Therefore, it has been classified as a Variant of Uncertain Significance.